The following is an entry in ClinVar:

ClinVar aggregate classification (germline): Benign. Review status: criteria provided, multiple submitters, no conflicts (2 of 4 stars). 5 submissions from 5 submitters: Benign (5). Last evaluated 2026-02-04.

Conditions:
Short-rib thoracic dysplasia 11 with or without polydactyly (SRTD11). Also called: SHORT-RIB THORACIC DYSPLASIA 11 WITHOUT POLYDACTYLY. Identifiers: Orphanet 474, Orphanet 93271, MedGen C3810200, MONDO:0014287, OMIM 615633.

Allele frequency attached by ClinVar (database versions not stated): 1000 Genomes Project 30x 0.59588; 1000 Genomes Project 0.60144; TOPMed 0.68573; gnomAD 0.70085 and 0.70374; ESP Exome Variant Server 0.70688; gnomAD exomes 0.78928 and 0.84967; ExAC 0.80456.
gnomAD v4.1: 1,342,299 of 1,607,886 alleles (83%); highest among the groups gnomAD compares: Non-Finnish European, 89%; 574,876 homozygotes.

Submissions (5):

Labcorp Genetics (formerly Invitae), Labcorp
Classification: Benign for Short-rib thoracic dysplasia 11 with or without polydactyly. Last evaluated: 2026-02-04. Review status: criteria provided, single submitter. Criteria: Invitae Variant Classification Sherloc (09022015). Collection method: clinical testing. Allele origin: germline.

Blueprint Genetics
Classification: Benign. Last evaluated: 2024-11-27. Review status: criteria provided, single submitter. Criteria: ACMG Guidelines, 2015. Collection method: clinical testing. Allele origin: germline.

Genome-Nilou Lab
Classification: Benign for Short-rib thoracic dysplasia 11 with or without polydactyly. Last evaluated: 2021-12-05. Review status: criteria provided, single submitter. Criteria: ACMG Guidelines, 2015. Collection method: clinical testing. Allele origin: germline. Affected: no.

GeneDx
Classification: Benign. Last evaluated: 2017-10-26. Review status: criteria provided, single submitter. Criteria: GeneDx Variant Classification (06012015). Collection method: clinical testing. Allele origin: germline. Affected: yes.
Comment: This variant is considered likely benign or benign based on one or more of the following criteria: it is a conservative change, it occurs at a poorly conserved position in the protein, it is predicted to be benign by multiple in silico algorithms, and/or has population frequency not consistent with disease.

Breakthrough Genomics
Classification: Benign. Review status: criteria provided, single submitter. Criteria: ACMG Guidelines, 2015. Collection method: not provided. Allele origin: germline. Inheritance: Autosomal recessive inheritance. Affected: yes.

NM_052844.4(DYNC2I2):c.627G>A (p.Gln209=)

Gene: DYNC2I2 (dynein 2 intermediate chain 2; minus strand). Cytogenetic location: 9q34.11.
Variant type: single nucleotide variant.
Coding change: c.627G>A on transcript NM_052844.4 (MANE Select); coding-DNA position 627, G replaced by A.
Protein change: p.Gln209=; no amino-acid change (glutamine 209 retained).
Molecular consequence: synonymous variant.
Genome position (GRCh38, 1-based): chr9:128,636,357, C>T on the plus strand (G>A on the coding strand, the complement: DYNC2I2 is on the minus strand). VCF-style: chr9-128636357-C-T. GRCh37 (hg19) VCF-style: chr9-131398636-C-T.
Identifiers: ClinVar variation 516213 (VCV000516213.13), dbSNP rs10760570, ClinGen allele CA5266543.